The following continues an entry in ClinVar:

NM_000330.4(RS1):c.214G>A (p.Glu72Lys)

ClinVar aggregate classification (germline): Pathogenic. Pathogenic (1).

Submissions 9 to 23 of 23:

Institute of Human Genetics, University of Leipzig Medical Center
Classification: Pathogenic for Juvenile retinoschisis. Last evaluated: 2024-07-11. Review status: criteria provided, single submitter. Criteria: ACMG Guidelines, 2015. Collection method: clinical testing. Allele origin: unknown. Inheritance: X-linked recessive inheritance. Affected: yes. Not counted in ClinVar's aggregate classification.
Comment: Criteria applied: PS3,PS4,PM5_STR,PM2_SUP,PP3,PP4

Baylor Genetics
Classification: Pathogenic for Juvenile retinoschisis. Last evaluated: 2024-03-19. Review status: criteria provided, single submitter. Criteria: ACMG Guidelines, 2015. Collection method: clinical testing. Allele origin: unknown. Not counted in ClinVar's aggregate classification.

Blueprint Genetics
Classification: Pathogenic for RS1-related disorders. Last evaluated: 2024-01-03. Review status: criteria provided, single submitter. Criteria: ACMG Guidelines, 2015. Collection method: clinical testing. Allele origin: germline. Affected: yes. Observed: 5 variant alleles. Not counted in ClinVar's aggregate classification.

3billion
Classification: Pathogenic for Juvenile retinoschisis. Last evaluated: 2023-06-23. Review status: criteria provided, single submitter. Criteria: ACMG Guidelines, 2015. Collection method: clinical testing. Allele origin: germline. Affected: yes. Not counted in ClinVar's aggregate classification.
Comment: The variant is observed at an extremely low frequency in the gnomAD v2.1.1 dataset (total allele frequency: 0.001%). Predicted Consequence/Location: The variant is located in a mutational hot spot and/or well-established functional domain in which established pathogenic variants have been reported. In silico tool predictions suggest damaging effect of the variant on gene or gene product (REVEL: 0.92; 3Cnet: 0.96). Same nucleotide change resulting in same amino acid change has been previously reported as pathogenic/likely pathogenic with strong evidence (ClinVar ID: VCV000009888 /PMID: 9618178). Different missense changes at the same codon (p.Glu72Asp, p.Glu72Gln, p.Glu72Gly, p.Glu72Val) have been reported as pathogenic/likely pathogenic with strong evidence (ClinVar ID: VCV000009889, VCV000098916, VCV000992968, VCV001994509 /PMID: 11295123, 17631851, 28272453, 9618178). Therefore, this variant is classified as Pathogenic according to the recommendation of ACMG/AMP guideline.

Institute of Human Genetics, Univ. Regensburg, Univ. Regensburg
Classification: Pathogenic for Retinal dystrophy. Last evaluated: 2023-01-01. Review status: criteria provided, single submitter. Criteria: ACMG Guidelines, 2015. Collection method: clinical testing. Allele origin: germline. Affected: yes. Not counted in ClinVar's aggregate classification.

Ambry Genetics
Classification: Pathogenic for Inborn genetic diseases. Last evaluated: 2022-09-20. Review status: criteria provided, single submitter. Criteria: Ambry Variant Classification Scheme 2023. Collection method: clinical testing. Allele origin: germline. Not counted in ClinVar's aggregate classification.
Comment: The c.214G>A (p.E72K) alteration is located in exon 4 (coding exon 4) of the RS1 gene. This alteration results from a G to A substitution at nucleotide position 214, causing the glutamic acid (E) at amino acid position 72 to be replaced by a lysine (K). Based on data from gnomAD, the A allele has an overall frequency of 0.001% (2/183440) total alleles studied. The highest observed frequency was 0.006% (1/16007) of European (Finnish) alleles. This variant is a common founder mutation and has been detected in individuals with X-linked juvenile retinoschisis (The Retinoschisis Consortium, 1998; Hiriyanna, 1999; Huopaniemi, 1999; Eksandh, 2000; Riveiro-Alvarez, 2009; Kim, 2009; Skorczyk, 2012; Wang, 2016; Hu, 2017; Sudha, 2018; Avela, 2019; Kondo, 2019; Huang, 2020; Bai, 2021; Hahn, 2022; Bender, 2022). This amino acid position is highly conserved in available vertebrate species. Functional and structural analysis suggest this alteration disrupts the local structure, but does not significantly impair secretion of the mutant protein (Wu, 2003; Sergeev, 2010; Vijayasarathy, 2010). This alteration is predicted to be deleterious by in silico analysis. Based on the available evidence, this alteration is classified as pathogenic.

GeneDx
Classification: Pathogenic. Last evaluated: 2021-10-20. Review status: criteria provided, single submitter. Criteria: GeneDx Variant Classification Process June 2021. Collection method: clinical testing. Allele origin: germline. Affected: yes. Not counted in ClinVar's aggregate classification.
Comment: Published functional studies demonstrate a damaging effect with misfolding of the discoidin domain, which results in the formation of high molecular mass aggregates in the cell (Vijayasarathy et al., 2010); In silico analysis supports that this missense variant has a deleterious effect on protein structure/function; This variant is associated with the following publications: (PMID: 10234514, 31087526, 20809529, 20061330, 27788217, 23288992, 22245536, 19324861, 22245991, 29081674, 27798099, 9618178, 30652005, 33781268, 33460243)

Centre for Mendelian Genomics, University Medical Centre Ljubljana
Classification: Likely pathogenic for Juvenile retinoschisis. Last evaluated: 2019-11-28. Review status: criteria provided, single submitter. Criteria: ACMG Guidelines, 2015. Collection method: clinical testing. Allele origin: unknown. Affected: yes. Not counted in ClinVar's aggregate classification.
Comment: This variant was classified as: Likely pathogenic. The following ACMG criteria were applied in classifying this variant: PM2,PM5,PP2,PP3,PP4. This variant was detected in hemizygous state.

Myriad Genetics, Inc.
Classification: Pathogenic for Juvenile retinoschisis. Last evaluated: 2019-11-15. Review status: criteria provided, single submitter. Criteria: Myriad Women's Health Autosomal Recessive and X-Linked Classification Criteria (2019). Collection method: clinical testing. Allele origin: unknown. Not counted in ClinVar's aggregate classification.
Comment: NM_000330.3(RS1):c.214G>A(E72K) is classified as pathogenic in the context of X-linked juvenile retinoschisis. Sources cited for classification include the following: PMID 20061330, 10922205, 618178, 19390641, 10533068, 10234514 and 20809529. Classification of NM_000330.3(RS1):c.214G>A(E72K) is based on the following criteria: This is a well-established pathogenic variant in the literature that has been observed more frequently in patients with clinical diagnoses than in healthy populations. Please note: this variant was assessed in the context of healthy population screening.

Department of Ophthalmology, Shanghai Jiao Tong University School of Medicine, Shanghai General Hospital
Classification: Uncertain significance for Juvenile retinoschisis. Review status: criteria provided, single submitter. Criteria: ACMG Guidelines, 2015. Collection method: research. Allele origin: germline. Affected: yes. Not counted in ClinVar's aggregate classification.

OMIM
Classification: Pathogenic for RETINOSCHISIS 1, X-LINKED, JUVENILE. Last evaluated: 1998-07-01. Review status: no assertion criteria provided. Collection method: literature only. Allele origin: germline. Not counted in ClinVar's aggregate classification.

Clinical Genetics DNA and cytogenetics Diagnostics Lab, Erasmus MC, Erasmus Medical Center
Classification: Pathogenic. Review status: no assertion criteria provided. Collection method: clinical testing. Allele origin: germline. Affected: yes. Study: VKGL Data-share Consensus. Not counted in ClinVar's aggregate classification.

Clinical Genetics, Academic Medical Center
Classification: Pathogenic. Review status: no assertion criteria provided. Collection method: clinical testing. Allele origin: germline. Affected: yes. Study: VKGL Data-share Consensus. Not counted in ClinVar's aggregate classification.

Joint Genome Diagnostic Labs from Nijmegen and Maastricht, Radboudumc and MUMC+
Classification: Pathogenic. Review status: no assertion criteria provided. Collection method: clinical testing. Allele origin: germline. Affected: yes. Study: VKGL Data-share Consensus. Not counted in ClinVar's aggregate classification.

Retina International
No classification provided. Review status: no classification provided. Collection method: not provided. Allele origin: unknown. Not counted in ClinVar's aggregate classification.

Literature cited by the submitters: PubMed 12746437 (cited by 3 submitters); PubMed 9618178 (cited by 5 submitters); PubMed 28272453 (cited by Labcorp Genetics (formerly Invitae), Labcorp and Ambry Genetics); PubMed 30652005 (cited by 3 submitters); PubMed 20809529 (cited by 5 submitters); PubMed 27114531 (cited by Dasa); PubMed 11246454 (cited by Dasa); PubMed 38317323 (cited by Dasa and Natera, Inc.); PubMed 19324861 (cited by 3 submitters); PubMed 23288992 (cited by 3 submitters); PubMed 30025115 (cited by Dasa); PubMed 28348004 (cited by Dasa); PubMed 22245991 (cited by Dasa); PubMed 32531858 (cited by Dasa and Institute of Human Genetics, Univ. Regensburg, Univ. Regensburg); PubMed 29851975 (cited by Dasa and Ambry Genetics); PubMed 38816767 (cited by Natera, Inc.); PubMed 38054929 (cited by Natera, Inc.); PubMed 36729443 (cited by Natera, Inc.); PubMed 35984651 (cited by Natera, Inc.); PubMed 19093009 (cited by Natera, Inc.); PubMed 12055472 (cited by Natera, Inc.); PubMed 11225572 (cited by Natera, Inc.); PubMed 10922205 (cited by 3 submitters); PubMed 20061330 (cited by 4 submitters); PubMed 11295123 (cited by 3billion); PubMed 27788217 (cited by Institute of Human Genetics, Univ. Regensburg, Univ. Regensburg and Ambry Genetics); PubMed 33460243 (cited by Institute of Human Genetics, Univ. Regensburg, Univ. Regensburg and Ambry Genetics); PubMed 33781268 (cited by Institute of Human Genetics, Univ. Regensburg, Univ. Regensburg and Ambry Genetics); PubMed 35456481 (cited by Institute of Human Genetics, Univ. Regensburg, Univ. Regensburg and Ambry Genetics); PubMed 36377647 (cited by Institute of Human Genetics, Univ. Regensburg, Univ. Regensburg); PubMed 34822951 (cited by Institute of Human Genetics, Univ. Regensburg, Univ. Regensburg); PubMed 35309139 (cited by Institute of Human Genetics, Univ. Regensburg, Univ. Regensburg); PubMed 34624300 (cited by Institute of Human Genetics, Univ. Regensburg, Univ. Regensburg and Ambry Genetics); PubMed 36460718 (cited by Institute of Human Genetics, Univ. Regensburg, Univ. Regensburg); PubMed 36284460 (cited by Institute of Human Genetics, Univ. Regensburg, Univ. Regensburg); PubMed 34645606 (cited by Institute of Human Genetics, Univ. Regensburg, Univ. Regensburg); PubMed 10234514 (cited by Ambry Genetics and Myriad Genetics, Inc.); PubMed 10533068 (cited by Ambry Genetics and Myriad Genetics, Inc.); PubMed 19390641 (cited by Ambry Genetics and Myriad Genetics, Inc.); PubMed 31087526 (cited by Ambry Genetics); PubMed 618178 (cited by Myriad Genetics, Inc.).